The following is an entry in ClinVar:

NM_024596.5(MCPH1):c.2453-14C>T

Genes: MCPH1 (microcephalin 1; plus strand), MCPH1-AS1 (MCPH1 antisense RNA 1; minus strand). Cytogenetic location: 8p23.1.
Variant type: single nucleotide variant.
Coding change: c.2453-14C>T on transcript NM_024596.5 (MANE Select); 14 bases into the intron before coding-DNA position 2453, C replaced by T.
Molecular consequence: intron variant.
Genome position (GRCh38, 1-based): chr8:6,642,980, C>T. VCF-style: chr8-6642980-C-T. GRCh37 (hg19) VCF-style: chr8-6500501-C-T.
Other names: c.2595-14C>T (NM_001322042.2); c.2174-14C>T (NM_001363980.2).
Identifiers: ClinVar variation 158862 (VCV000158862.17), dbSNP rs17077744, ClinGen allele CA271706.

ClinVar aggregate classification (germline): Conflicting classifications of pathogenicity. Review status: criteria provided, conflicting classifications (1 of 4 stars). 4 submissions from 4 submitters: Uncertain significance (1); Benign (3). Last evaluated 2026-02-04.

Conditions:
Microcephaly 1, primary, autosomal recessive (MCPH1). Also called: PREMATURE CHROMOSOME CONDENSATION SYNDROME; PCC SYNDROME; PREMATURE CHROMOSOME CONDENSATION WITH MICROCEPHALY AND MENTAL RETARDATION. Identifiers: Orphanet 2512, MedGen C1855081, MONDO:0009617, OMIM 251200.

Allele frequency attached by ClinVar (database versions not stated): gnomAD exomes 0.00077 and 0.00209; ExAC 0.00273; 1000 Genomes Project 0.00859; gnomAD 0.00871 and 0.00931; ESP Exome Variant Server 0.01081; 1000 Genomes Project 30x 0.00953; TOPMed 0.00954.
gnomAD v4.1: 2,510 of 1,613,320 alleles (0.16%); highest among the groups gnomAD compares: African/African-American, 2.9%; 35 homozygotes.

Submissions (4):

Labcorp Genetics (formerly Invitae), Labcorp
Classification: Benign. Last evaluated: 2026-02-04. Review status: criteria provided, single submitter. Criteria: Invitae Variant Classification Sherloc (09022015). Collection method: clinical testing. Allele origin: germline.

Illumina Laboratory Services, Illumina
Classification: Benign for Microcephaly 1, primary, autosomal recessive. Last evaluated: 2018-01-12. Review status: criteria provided, single submitter. Criteria: ICSL Variant Classification Criteria 13 December 2019. Collection method: clinical testing. Allele origin: germline.
Comment: This variant was observed in the ICSL laboratory as part of a predisposition screen in an ostensibly healthy population. It had not been previously curated by ICSL or reported in the Human Gene Mutation Database (HGMD: prior to June 1st, 2018), and was therefore a candidate for classification through an automated scoring system. Utilizing variant allele frequency, disease prevalence and penetrance estimates, and inheritance mode, an automated score was calculated to assess if this variant is too frequent to cause the disease. Based on the score and internal cut-off values, a variant classified as benign is not then subjected to further curation. The score for this variant resulted in a classification of benign for this disease.

GeneDx
Classification: Benign. Last evaluated: 2016-09-22. Review status: criteria provided, single submitter. Criteria: GeneDx Variant Classification (06012015). Collection method: clinical testing. Allele origin: germline. Affected: yes.
Comment: This variant is considered likely benign or benign based on one or more of the following criteria: it is a conservative change, it occurs at a poorly conserved position in the protein, it is predicted to be benign by multiple in silico algorithms, and/or has population frequency not consistent with disease.

Genetic Services Laboratory, University of Chicago
Classification: Uncertain significance for Microcephaly 1, primary, autosomal recessive. Last evaluated: 2013-02-08. Review status: criteria provided, single submitter. Criteria: ACMG Guidelines, 2007. Collection method: clinical testing. Allele origin: germline. Inheritance: Autosomal recessive inheritance.